The following is an entry in ClinVar:

NM_006939.4(SOS2):c.305C>T (p.Pro102Leu)

Gene: SOS2 (SOS Ras/Rho guanine nucleotide exchange factor 2; minus strand). Cytogenetic location: 14q21.3.
Variant type: single nucleotide variant.
Coding change: c.305C>T on transcript NM_006939.4 (MANE Select); coding-DNA position 305, C replaced by T.
Protein change: p.Pro102Leu; replaces proline 102 with leucine.
Molecular consequence: missense variant.
Genome position (GRCh38, 1-based): chr14:50,200,993, G>A on the plus strand (C>T on the coding strand, the complement: SOS2 is on the minus strand). VCF-style: chr14-50200993-G-A. GRCh37 (hg19) VCF-style: chr14-50667711-G-A.
Other names: c.305C>T, p.Pro102Leu (NM_001411020.1); short protein forms P102L.
Identifiers: ClinVar variation 1799339 (VCV001799339.2), dbSNP rs2503193225, ClinGen allele CA389649953.

ClinVar aggregate classification (germline): Uncertain significance (1 of 4 stars; one submission).

Conditions:
Cardiovascular phenotype. Identifiers: MedGen CN230736.

Allele frequency attached by ClinVar (database versions not stated): gnomAD exomes below 0.00001.
gnomAD v4.1: 6 of 1,613,940 alleles (0.00037%); highest among the groups gnomAD compares: East Asian, 0.0022%; no homozygotes.

Submission:

Ambry Genetics
Classification: Uncertain significance for Cardiovascular phenotype. Last evaluated: 2020-12-23. Review status: criteria provided, single submitter. Criteria: Ambry Variant Classification Scheme 2023. Collection method: clinical testing. Allele origin: germline.
Comment: The p.P102L variant (also known as c.305C>T), located in coding exon 3 of the SOS2 gene, results from a C to T substitution at nucleotide position 305. The proline at codon 102 is replaced by leucine, an amino acid with similar properties. This amino acid position is highly conserved in available vertebrate species. In addition, the in silico prediction for this alteration is inconclusive. Since supporting evidence is limited at this time, the clinical significance of this alteration remains unclear.